The following is an entry in ClinVar:

ClinVar aggregate classification (germline): Uncertain significance (1 of 4 stars; one submission).

Conditions:
Dilated cardiomyopathy 1Y (CMD1Y). Identifiers: Orphanet 154, Orphanet 54260, MedGen C2678476, MONDO:0012744, OMIM 611878.

Submission:

Victorian Clinical Genetics Services, Murdoch Childrens Research Institute
Classification: Uncertain significance for Dilated cardiomyopathy 1Y. Last evaluated: 2023-07-17. Review status: criteria provided, single submitter. Criteria: ACMG Guidelines, 2015. Collection method: clinical testing. Allele origin: germline. Inheritance: Autosomal dominant inheritance. Affected: yes.
Comment: Based on the classification scheme VCGS_Germline_v1.3.4, this variant is classified as VUS-3A. Following criteria are met: 0105 - The mechanism of disease for this gene is not clearly established, although it has been suggested that that HCM is caused by gain of function missense variants while DCM is caused by loss of function missense variants (PMID: 31270709). (I) 0107 - This gene is associated with autosomal dominant disease. (I) 0112 - The condition associated with this gene has incomplete penetrance (PMIDs: 33642254, 32882290, 32731933). (I) 0200 - Variant is predicted to result in a missense amino acid change from asparagine to aspartic acid. (I) 0251 - This variant is heterozygous. (I) 0301 - Variant is absent from gnomAD (both v2 and v3). (SP) 0502 - Missense variant with conflicting in silico predictions and high conservation. (I) 0603 - Missense variant in a region that is highly intolerant to missense variation (high constraint region in DECIPHER). (SP) 0705 - No comparable missense variants have previous evidence for pathogenicity. (I) 0807 - This variant has no previous evidence of pathogenicity. (I) 0905 - No published segregation evidence has been identified for this variant. (I) 1007 - No published functional evidence has been identified for this variant. (I) Legend: (SP) - Supporting pathogenic, (I) - Information, (SB) - Supporting benign

Literature cited by the submitters: PubMed 31270709; PubMed 32731933; PubMed 32882290; PubMed 33642254.

NM_001018005.2(TPM1):c.604A>G (p.Asn202Asp)

Gene: TPM1 (tropomyosin 1; plus strand). Cytogenetic location: 15q22.2.
Variant type: single nucleotide variant.
Coding change: c.604A>G on transcript NM_001018005.2 (MANE Select); coding-DNA position 604, A replaced by G.
Protein change: p.Asn202Asp; replaces asparagine 202 with aspartic acid.
Molecular consequence: missense variant. On other transcripts: non-coding transcript variant (16), intron variant (21).
Genome position (GRCh38, 1-based): chr15:63,061,753, A>G. VCF-style: chr15-63061753-A-G. GRCh37 (hg19) VCF-style: chr15-63353952-A-G.
Other names: c.604A>G, p.Asn202Asp (NM_001018004.2, NM_001018007.2, NM_001301244.2 and 7 more transcripts); c.496A>G, p.Asn166Asp (NM_001018008.2, NM_001301289.2, NM_001330346.2 and 3 more transcripts); c.730A>G, p.Asn244Asp (NM_001365778.1, NM_001407324.1); c.640-462A>G (NM_001407336.1, NM_001018020.2, NM_001407326.1 and 10 more transcripts); c.766-462A>G (NM_001407323.1, NM_001407322.1); c.532-462A>G (NM_001330351.2, NM_001330344.2, NM_001365781.2 and 3 more transcripts); short protein forms N166D, N202D, N244D.
Identifiers: ClinVar variation 3254925 (VCV003254925.1), dbSNP rs2542830276.